The following is an entry in ClinVar:

NM_001365951.3(KIF1B):c.3743G>A (p.Ser1248Asn)

Gene: KIF1B (kinesin family member 1B; plus strand). Cytogenetic location: 1p36.22.
Variant type: single nucleotide variant.
Coding change: c.3743G>A on transcript NM_001365951.3 (MANE Select); coding-DNA position 3743, G replaced by A.
Protein change: p.Ser1248Asn; replaces serine 1248 with asparagine.
Molecular consequence: missense variant.
Genome position (GRCh38, 1-based): chr1:10,345,899, G>A. VCF-style: chr1-10345899-G-A. GRCh37 (hg19) VCF-style: chr1-10405957-G-A.
Other names: c.3743G>A, p.Ser1248Asn (NM_001365952.1); c.3605G>A, p.Ser1202Asn (NM_015074.3); short protein forms S1202N, S1248N.
Identifiers: ClinVar variation 967073 (VCV000967073.10), dbSNP rs1183079670, ClinGen allele CA338342438.

ClinVar aggregate classification (germline): Uncertain significance. Review status: criteria provided, multiple submitters, no conflicts (2 of 4 stars). 2 submissions from 2 submitters: Uncertain significance (2). Last evaluated 2024-10-06.

Conditions:
Charcot-Marie-Tooth disease type 2. Also called: Charcot-Marie-Tooth type 2. Identifiers: Orphanet 64746, MedGen C0270914, MONDO:0018993.

Allele frequency attached by ClinVar (database versions not stated): gnomAD exomes below 0.00001; gnomAD 0.00001.
gnomAD v4.1: 2 of 1,614,062 alleles (0.00012%); highest among the groups gnomAD compares: Non-Finnish European, 0.000085%; no homozygotes.

Submissions (2):

Ambry Genetics
Classification: Uncertain significance. Last evaluated: 2024-10-06. Review status: criteria provided, single submitter. Criteria: Ambry Variant Classification Scheme 2023. Collection method: clinical testing. Allele origin: germline.
Comment: The p.S1202N variant (also known as c.3605G>A), located in coding exon 32 of the KIF1B gene, results from a G to A substitution at nucleotide position 3605. The serine at codon 1202 is replaced by asparagine, an amino acid with highly similar properties. This amino acid position is conserved. In addition, this alteration is predicted to be tolerated by in silico analysis. Based on the available evidence, the clinical significance of this variant remains unclear.

Labcorp Genetics (formerly Invitae), Labcorp
Classification: Uncertain significance for Charcot-Marie-Tooth disease type 2. Last evaluated: 2024-04-16. Review status: criteria provided, single submitter. Criteria: Invitae Variant Classification Sherloc (09022015). Collection method: clinical testing. Allele origin: germline.
Comment: This sequence change replaces serine, which is neutral and polar, with asparagine, which is neutral and polar, at codon 1202 of the KIF1B protein (p.Ser1202Asn). This variant is present in population databases (no rsID available, gnomAD 0.007%). This variant has not been reported in the literature in individuals affected with KIF1B-related conditions. ClinVar contains an entry for this variant (Variation ID: 967073). An algorithm developed to predict the effect of missense changes on protein structure and function (PolyPhen-2) suggests that this variant is likely to be tolerated. In summary, the available evidence is currently insufficient to determine the role of this variant in disease. Therefore, it has been classified as a Variant of Uncertain Significance.